The following is an entry in ClinVar:

NM_001723.7(DST):c.3531A>C (p.Arg1177Ser)

Gene: DST (dystonin; minus strand). Cytogenetic location: 6p12.1.
Variant type: single nucleotide variant.
Coding change: c.3531A>C on transcript NM_001723.7 (MANE Plus Clinical); coding-DNA position 3531, A replaced by C.
Protein change: p.Arg1177Ser; replaces arginine 1177 with serine.
Molecular consequence: missense variant. On other transcripts: intron variant (10).
Genome position (GRCh38, 1-based): chr6:56,620,503, T>G on the plus strand (A>C on the coding strand, the complement: DST is on the minus strand). VCF-style: chr6-56620503-T-G. GRCh37 (hg19) VCF-style: chr6-56485301-T-G.
Other names: c.4830+4027A>C (NM_001144769.5); c.4929+4027A>C (NM_001374722.1, NM_001374736.1); c.4956+4027A>C (NM_001374734.1); c.4416+4027A>C (NM_001144770.2); c.4296+4027A>C (NM_001374730.1, NM_001386100.1, NM_183380.4 and 1 more transcripts); c.3318+4027A>C (NM_015548.5); short protein forms R1177S.
Identifiers: ClinVar variation 1511875 (VCV001511875.5), dbSNP rs2152739957, ClinGen allele CA364571693.

ClinVar aggregate classification (germline): Uncertain significance (1 of 4 stars; one submission).

Conditions:
Hereditary sensory and autonomic neuropathy type 6. Also called: Neuropathy, hereditary sensory and autonomic, type VI; HSAN VI. Identifiers: Orphanet 314381, MedGen C3539003, MONDO:0013839, OMIM 614653.
Epidermolysis bullosa simplex 3, localized or generalized intermediate, with BP230 deficiency (EBS3). Also called: Epidermolysis bullosa simplex due to BP230 deficiency; Epidermolysis bullosa simplex, autosomal recessive 2. Identifiers: Orphanet 412181, MedGen C3809470, MONDO:0014180, OMIM 615425.

gnomAD v4.1: 16 of 1,614,126 alleles (0.00099%); highest among the groups gnomAD compares: Non-Finnish European, 0.0014%; no homozygotes.

Submission:

Labcorp Genetics (formerly Invitae), Labcorp
Classification: Uncertain significance for Epidermolysis bullosa simplex 3, localized or generalized intermediate, with BP230 deficiency; Hereditary sensory and autonomic neuropathy type 6. Last evaluated: 2022-07-25. Review status: criteria provided, single submitter. Criteria: Invitae Variant Classification Sherloc (09022015). Collection method: clinical testing. Allele origin: germline.
Comment: This sequence change replaces arginine, which is basic and polar, with serine, which is neutral and polar, at codon 1177 of the DST protein (p.Arg1177Ser). This variant is not present in population databases (gnomAD no frequency). This variant has not been reported in the literature in individuals affected with DST-related conditions. ClinVar contains an entry for this variant (Variation ID: 1511875). Algorithms developed to predict the effect of missense changes on protein structure and function (SIFT, PolyPhen-2, Align-GVGD) all suggest that this variant is likely to be tolerated. In summary, the available evidence is currently insufficient to determine the role of this variant in disease. Therefore, it has been classified as a Variant of Uncertain Significance.